The following is an entry in ClinVar:

NM_000287.4(PEX6):c.2157G>C (p.Glu719Asp)

Gene: PEX6 (peroxisomal biogenesis factor 6; minus strand). Cytogenetic location: 6p21.1.
Variant type: single nucleotide variant.
Coding change: c.2157G>C on transcript NM_000287.4 (MANE Select); coding-DNA position 2157, G replaced by C.
Protein change: p.Glu719Asp; replaces glutamic acid 719 with aspartic acid.
Molecular consequence: missense variant.
Genome position (GRCh38, 1-based): chr6:42,966,385, C>G on the plus strand (G>C on the coding strand, the complement: PEX6 is on the minus strand). VCF-style: chr6-42966385-C-G. GRCh37 (hg19) VCF-style: chr6-42934123-C-G.
Other names: c.1893G>C, p.Glu631Asp (NM_001316313.2); short protein forms E631D, E719D.
Identifiers: ClinVar variation 1504709 (VCV001504709.6), dbSNP rs1385321266, ClinGen allele CA364152383.
Genomic context (GRCh38, chr6:42,966,385, plus strand): 5'-GCCTGAGCGTCTCAGGCCCAGGCTCAGTAGCTCAGGGTGCTCCAGGGGGAGCTGAATGGT[C>G]TCCAGGATCTCCTTCTTCACCTCCTGCAGCCCACCCACATCATGCCAGGACACTGAGGGG-3'
Protein context (NP_000278.3, residues 709-729): GLQEVKKEIL[Glu719Asp]TIQLPLEHPE

ClinVar aggregate classification (germline): Uncertain significance (1 of 4 stars; one submission).

Conditions:
Peroxisome biogenesis disorder. Identifiers: Orphanet 79189, MedGen C1832200, MONDO:0019234. Disease mechanism: loss of function.

Allele frequency attached by ClinVar (database versions not stated): gnomAD exomes below 0.00001; TOPMed below 0.00001; gnomAD 0.00001.
gnomAD v4.1: 2 of 1,614,000 alleles (0.00012%); highest among the groups gnomAD compares: African/African-American, 0.0027%; no homozygotes.

Submission:

Labcorp Genetics (formerly Invitae), Labcorp
Classification: Uncertain significance for Peroxisome biogenesis disorder. Last evaluated: 2025-02-17. Review status: criteria provided, single submitter. Criteria: Invitae Variant Classification Sherloc (09022015). Collection method: clinical testing. Allele origin: germline.
Comment: This sequence change replaces glutamic acid, which is acidic and polar, with aspartic acid, which is acidic and polar, at codon 719 of the PEX6 protein (p.Glu719Asp). This variant is present in population databases (no rsID available, gnomAD 0.007%). This variant has not been reported in the literature in individuals affected with PEX6-related conditions. ClinVar contains an entry for this variant (Variation ID: 1504709). Invitae Evidence Modeling of protein sequence and biophysical properties (such as structural, functional, and spatial information, amino acid conservation, physicochemical variation, residue mobility, and thermodynamic stability) indicates that this missense variant is not expected to disrupt PEX6 protein function with a negative predictive value of 95%. In summary, the available evidence is currently insufficient to determine the role of this variant in disease. Therefore, it has been classified as a Variant of Uncertain Significance.